The following is an entry in ClinVar:

NM_006218.4(PIK3CA):c.2356C>A (p.Pro786Thr)

Gene: PIK3CA (phosphatidylinositol-4,5-bisphosphate 3-kinase catalytic subunit alpha; plus strand). Cytogenetic location: 3q26.32.
Variant type: single nucleotide variant.
Coding change: c.2356C>A on transcript NM_006218.4 (MANE Select); coding-DNA position 2356, C replaced by A.
Protein change: p.Pro786Thr; replaces proline 786 with threonine.
Molecular consequence: missense variant.
Genome position (GRCh38, 1-based): chr3:179,224,761, C>A. VCF-style: chr3-179224761-C-A. GRCh37 (hg19) VCF-style: chr3-178942549-C-A.
Other names: short protein forms P786T.
Identifiers: ClinVar variation 3225354 (VCV003225354.1), dbSNP rs1461675237, ClinGen allele CA355272089.

ClinVar aggregate classification (germline): Uncertain significance (1 of 4 stars; one submission).

Conditions:
Inborn genetic diseases. Identifiers: MedGen C0950123, MeSH D030342.

Submission:

Ambry Genetics
Classification: Uncertain significance for Inborn genetic diseases. Last evaluated: 2023-12-19. Review status: criteria provided, single submitter. Criteria: Ambry Variant Classification Scheme 2023. Collection method: clinical testing. Allele origin: germline.
Comment: The p.P786T variant (also known as c.2356C>A), located in coding exon 15 of the PIK3CA gene, results from a C to A substitution at nucleotide position 2356. The proline at codon 786 is replaced by threonine, an amino acid with highly similar properties. This amino acid position is conserved. In addition, this alteration is predicted to be deleterious by in silico analysis. Since supporting evidence is limited at this time, the clinical significance of this alteration remains unclear.